The following is an entry in ClinVar:

ClinVar aggregate classification (germline): Uncertain significance (1 of 4 stars; one submission).

Submission:

GeneDx
Classification: Uncertain significance. Last evaluated: 2024-09-23. Review status: criteria provided, single submitter. Criteria: GeneDx Variant Classification Process June 2021. Collection method: clinical testing. Allele origin: germline. Affected: yes.
Comment: Not observed at significant frequency in large population cohorts (gnomAD); In silico analysis supports that this missense variant has a deleterious effect on protein structure/function; Has not been previously published as pathogenic or benign to our knowledge

NM_001303052.2(MYT1L):c.43A>G (p.Lys15Glu)

Gene: MYT1L (myelin transcription factor 1 like; minus strand). Cytogenetic location: 2p25.3.
Variant type: single nucleotide variant.
Coding change: c.43A>G on transcript NM_001303052.2 (MANE Select); coding-DNA position 43, A replaced by G.
Protein change: p.Lys15Glu; replaces lysine 15 with glutamic acid.
Molecular consequence: missense variant.
Genome position (GRCh38, 1-based): chr2:1,979,735, T>C on the plus strand (A>G on the coding strand, the complement: MYT1L is on the minus strand). VCF-style: chr2-1979735-T-C. GRCh37 (hg19) VCF-style: chr2-1983507-T-C.
Other names: c.43A>G, p.Lys15Glu (NM_001329844.2, NM_001329845.1, NM_001329846.3 and 6 more transcripts); short protein forms K15E.
Identifiers: ClinVar variation 3774298 (VCV003774298.1).